The following is an entry in ClinVar:

NM_001375905.1(SGMS2):c.103A>G (p.Asn35Asp)

Genes: CYP2U1-AS1 (CYP2U1 and SGMS2 antisense RNA 1; minus strand), SGMS2 (sphingomyelin synthase 2; plus strand). Cytogenetic location: 4q25.
Variant type: single nucleotide variant.
Coding change: c.103A>G on transcript NM_001375905.1 (MANE Select); coding-DNA position 103, A replaced by G.
Protein change: p.Asn35Asp; replaces asparagine 35 with aspartic acid.
Molecular consequence: missense variant. On other transcripts: intron variant (1).
Genome position (GRCh38, 1-based): chr4:107,895,656, A>G. VCF-style: chr4-107895656-A-G. GRCh37 (hg19) VCF-style: chr4-108816812-A-G.
Other names: c.103A>G, p.Asn35Asp (NM_001136257.2, NM_001136258.2, NM_001375906.1 and 4 more transcripts); c.-64-3919A>G (NM_001375911.1); short protein forms N35D.
Identifiers: ClinVar variation 3641494 (VCV003641494.2).

ClinVar aggregate classification (germline): Uncertain significance (1 of 4 stars; one submission).

gnomAD v4.1: 1 of 1,614,040 alleles (0.000062%); highest among the groups gnomAD compares: Admixed American, 0.0017%; no homozygotes.

Submission:

Labcorp Genetics (formerly Invitae), Labcorp
Classification: Uncertain significance. Last evaluated: 2024-02-17. Review status: criteria provided, single submitter. Criteria: Invitae Variant Classification Sherloc (09022015). Collection method: clinical testing. Allele origin: germline.
Comment: This sequence change replaces asparagine, which is neutral and polar, with aspartic acid, which is acidic and polar, at codon 35 of the SGMS2 protein (p.Asn35Asp). This variant is present in population databases (rs754329411, gnomAD 0.003%). This variant has not been reported in the literature in individuals affected with SGMS2-related conditions. Algorithms developed to predict the effect of missense changes on protein structure and function output the following: SIFT: "Not Available"; PolyPhen-2: "Benign"; Align-GVGD: "Not Available". The aspartic acid amino acid residue is found in multiple mammalian species, which suggests that this missense change does not adversely affect protein function. In summary, the available evidence is currently insufficient to determine the role of this variant in disease. Therefore, it has been classified as a Variant of Uncertain Significance.